The following is an entry in ClinVar:

ClinVar aggregate classification (germline): Uncertain significance (1 of 4 stars; one submission).

Submission:

Labcorp Genetics (formerly Invitae), Labcorp
Classification: Uncertain significance. Last evaluated: 2021-03-24. Review status: criteria provided, single submitter. Criteria: Invitae Variant Classification Sherloc (09022015). Collection method: clinical testing. Allele origin: germline.
Comment: In summary, the available evidence is currently insufficient to determine the role of this variant in disease. Therefore, it has been classified as a Variant of Uncertain Significance. Algorithms developed to predict the effect of missense changes on protein structure and function are either unavailable or do not agree on the potential impact of this missense change (SIFT: "Deleterious"; PolyPhen-2: "Probably Damaging"; Align-GVGD: "Class C15"). This variant has not been reported in the literature in individuals with KCNJ13-related conditions. This variant is not present in population databases (ExAC no frequency). This sequence change replaces leucine with arginine at codon 48 of the KCNJ13 protein (p.Leu48Arg). The leucine residue is highly conserved and there is a moderate physicochemical difference between leucine and arginine.

NM_002242.4(KCNJ13):c.143T>G (p.Leu48Arg)

Genes: GIGYF2 (GRB10 interacting GYF protein 2; plus strand), KCNJ13 (potassium inwardly rectifying channel subfamily J member 13; minus strand). Cytogenetic location: 2q37.1.
Variant type: single nucleotide variant.
Coding change: c.143T>G on transcript NM_002242.4 (MANE Select); coding-DNA position 143, T replaced by G.
Protein change: p.Leu48Arg; replaces leucine 48 with arginine.
Molecular consequence: missense variant. On other transcripts: intron variant (5).
Genome position (GRCh38, 1-based): chr2:232,771,220, A>C on the plus strand (T>G on the coding strand, the complement: KCNJ13 is on the minus strand). VCF-style: chr2-232771220-A-C. GRCh37 (hg19) VCF-style: chr2-233635930-A-C.
Other names: c.143T>G, p.Leu48Arg (NM_001172416.1); c.532+9784A>C (NM_001103146.3, NM_015575.4, NM_001103148.2); c.533-5192A>C (NM_001103147.2); c.-23-75T>G (NM_001172417.1); short protein forms L48R.
Identifiers: ClinVar variation 1475056 (VCV001475056.8), dbSNP rs2106339653, ClinGen allele CA351014131.
Genomic context (GRCh38, chr2:232,771,220, plus strand): 5'-CAGTGGACAACAAAAGAAGCAGAAAAGACCAACATCATCCAACGCCAGCGCATGTCCATT[A>C]GGATTCCCCAAGCATCTCGAAGATATGCAAGACCTCTTTGAGCGCCATCCATTTGAAGTG-3'
Protein context (NP_002233.2, residues 38-58): LAYLRDAWGI[Leu48Arg]MDMRWRWMML